The following is an entry in ClinVar:

ClinVar aggregate classification (germline): Uncertain significance. Review status: criteria provided, multiple submitters, no conflicts (2 of 4 stars). 2 submissions from 2 submitters: Uncertain significance (2). Last evaluated 2022-04-08.

Conditions:
Ataxia-telangiectasia syndrome (AT). Also called: Ataxia-telangiectasia, complementation group D; ATAXIA-TELANGIECTASIA, COMPLEMENTATION GROUP A; ATAXIA-TELANGIECTASIA, FRESNO VARIANT; Ataxia-telangiectasia, complementation group E; Cerebello-oculocutaneous telangiectasia; Immunodeficiency with ataxia telangiectasia. Identifiers: Orphanet 100, MedGen C0004135, MONDO:0008840, OMIM 208900.

Submissions (2):

Labcorp Genetics (formerly Invitae), Labcorp
Classification: Uncertain significance for Ataxia-telangiectasia syndrome. Last evaluated: 2022-04-08. Review status: criteria provided, single submitter. Criteria: Invitae Variant Classification Sherloc (09022015). Collection method: clinical testing. Allele origin: germline.
Comment: In summary, the available evidence is currently insufficient to determine the role of this variant in disease. Therefore, it has been classified as a Variant of Uncertain Significance. Advanced modeling of protein sequence and biophysical properties (such as structural, functional, and spatial information, amino acid conservation, physicochemical variation, residue mobility, and thermodynamic stability) performed at Invitae indicates that this missense variant is not expected to disrupt ATM protein function. ClinVar contains an entry for this variant (Variation ID: 1342751). This variant has not been reported in the literature in individuals affected with ATM-related conditions. This variant is not present in population databases (gnomAD no frequency). This sequence change replaces valine, which is neutral and non-polar, with isoleucine, which is neutral and non-polar, at codon 1521 of the ATM protein (p.Val1521Ile).

GeneDx
Classification: Uncertain significance. Last evaluated: 2022-02-25. Review status: criteria provided, single submitter. Criteria: GeneDx Variant Classification Process June 2021. Collection method: clinical testing. Allele origin: germline. Affected: yes.
Comment: Not observed at significant frequency in large population cohorts (gnomAD); In silico analysis supports that this missense variant does not alter protein structure/function; Has not been previously published as pathogenic or benign to our knowledge

NM_000051.4(ATM):c.4561G>A (p.Val1521Ile)

Gene: ATM (ATM serine/threonine kinase; plus strand). Cytogenetic location: 11q22.3.
Variant type: single nucleotide variant.
Coding change: c.4561G>A on transcript NM_000051.4 (MANE Select); coding-DNA position 4561, G replaced by A.
Protein change: p.Val1521Ile; replaces valine 1521 with isoleucine.
Molecular consequence: missense variant.
Genome position (GRCh38, 1-based): chr11:108,292,743, G>A. VCF-style: chr11-108292743-G-A. GRCh37 (hg19) VCF-style: chr11-108163470-G-A.
Other names: c.4561G>A, p.Val1521Ile (NM_001351834.2); short protein forms V1521I.
Identifiers: ClinVar variation 1342751 (VCV001342751.6), dbSNP rs141329176, ClinGen allele CA382533858.
Genomic context (GRCh38, chr11:108,292,743, plus strand): 5'-GTTTGCCAGACAGCCGTGACTTACTGTAAGGATGCTCTAGAAAACCATCTTCATGTTATT[G>A]TTGGTACACTTATACCCCTTGTGTATGAGCAGGTGGAGGTTCAGAAACAGGTAATTTTCT-3'
Protein context (NP_000042.3, residues 1511-1531): DALENHLHVI[Val1521Ile]GTLIPLVYEQ